The following is an entry in ClinVar:

ClinVar aggregate classification (germline): Likely benign. Review status: criteria provided, multiple submitters, no conflicts (2 of 4 stars). 6 submissions from 6 submitters: Likely benign (3). 3 of the submissions do not count toward it. Last evaluated 2024-11-29.

Conditions:
Short-rib thoracic dysplasia 6 with or without polydactyly (SRTD6). Also called: SHORT RIB-POLYDACTYLY SYNDROME, TYPE IIA; Majewski Syndrome; SHORT-RIB THORACIC DYSPLASIA 6 WITH POLYDACTYLY; SHORT-RIB THORACIC DYSPLASIA 6 WITHOUT POLYDACTYLY; POLYDACTYLY WITH NEONATAL CHONDRODYSTROPHY, TYPE II. Identifiers: MedGen C0024507, MONDO:0009894, OMIM 263520.
NEK1-related disorder. Also called: NEK1-related condition.

Allele frequency attached by ClinVar (database versions not stated): TOPMed 0.00006; gnomAD 0.00008 and 0.00009; ExAC 0.00009; gnomAD exomes 0.00009 and 0.00010; 1000 Genomes Project 30x 0.00016; 1000 Genomes Project 0.00020.
gnomAD v4.1: 152 of 1,558,540 alleles (0.0098%); highest among the groups gnomAD compares: Non-Finnish European, 0.013%; 1 homozygote.

Submissions (6):

Women's Health and Genetics/Laboratory Corporation of America, LabCorp
Classification: Likely benign. Last evaluated: 2024-11-29. Review status: criteria provided, single submitter. Criteria: LabCorp Variant Classification Summary - May 2015. Collection method: clinical testing. Allele origin: germline.
Comment: Variant summary: NEK1 c.1666-6T>C (aka. c.1750-6T>C in a different transcript) alters a non-conserved nucleotide located close to a canonical splice site and therefore could affect mRNA splicing, leading to a significantly altered protein sequence. Consensus agreement among computation tools predict no significant impact on normal splicing. However, these predictions have yet to be confirmed by functional studies. The variant allele was found at a frequency of 9.8e-05 in 1551640 control chromosomes, predominantly at a frequency of 0.00013 within the Non-Finnish European subpopulation in the gnomAD database (v4.1 dataset), including 1 homozygote. To our knowledge, no occurrence of c.1666-6T>C in individuals affected with Amyotrophic Lateral Sclerosis, Susceptibility To, 24 and no experimental evidence demonstrating its impact on protein function have been reported. ClinVar contains an entry for this variant (Variation ID: 1206211). Based on the evidence outlined above, the variant was classified as likely benign.

Labcorp Genetics (formerly Invitae), Labcorp
Classification: Likely benign for Short-rib thoracic dysplasia 6 with or without polydactyly. Last evaluated: 2022-02-18. Review status: criteria provided, single submitter. Criteria: Invitae Variant Classification Sherloc (09022015). Collection method: clinical testing. Allele origin: germline.

ARUP Laboratories, Molecular Genetics and Genomics, ARUP Laboratories
Classification: Likely benign. Last evaluated: 2021-07-16. Review status: criteria provided, single submitter. Criteria: ARUP Molecular Germline Variant Investigation Process 2021. Collection method: clinical testing. Allele origin: germline.

PreventionGenetics, part of Exact Sciences
Classification: Likely benign for NEK1-related condition. Last evaluated: 2022-12-07. Review status: no assertion criteria provided. Collection method: clinical testing. Allele origin: germline. Not counted in ClinVar's aggregate classification.
Comment: This variant is classified as likely benign based on ACMG/AMP sequence variant interpretation guidelines (Richards et al. 2015 PMID: 25741868, with internal and published modifications).

Clinical Genetics DNA and cytogenetics Diagnostics Lab, Erasmus MC, Erasmus Medical Center
Classification: Likely benign. Review status: no assertion criteria provided. Collection method: clinical testing. Allele origin: germline. Affected: yes. Study: VKGL Data-share Consensus. Not counted in ClinVar's aggregate classification.

Laboratory of Diagnostic Genome Analysis, Leiden University Medical Center (LUMC)
Classification: Likely benign. Review status: no assertion criteria provided. Collection method: clinical testing. Allele origin: germline. Affected: yes. Study: VKGL Data-share Consensus. Not counted in ClinVar's aggregate classification.

NM_001199397.3(NEK1):c.1750-6T>C

Gene: NEK1 (NIMA related kinase 1; minus strand). Cytogenetic location: 4q33.
Variant type: single nucleotide variant.
Coding change: c.1750-6T>C on transcript NM_001199397.3 (MANE Select); 6 bases into the intron before coding-DNA position 1750, T replaced by C.
Molecular consequence: intron variant.
Genome position (GRCh38, 1-based): chr4:169,508,337, A>G on the plus strand (T>C on the coding strand, the complement: NEK1 is on the minus strand). VCF-style: chr4-169508337-A-G. GRCh37 (hg19) VCF-style: chr4-170429488-A-G.
Other names: c.1666-6T>C (NM_012224.2, NM_001374419.1, NM_012224.4); c.1540-6T>C (NM_001374421.1); c.1615-6T>C (NM_001374420.1); c.1459-6T>C (NM_001199399.3); c.1618-6T>C (NM_001199398.3); c.1534-6T>C (NM_001199400.3); c.1750-6T>C (NM_001374418.1).
Identifiers: ClinVar variation 1206211 (VCV001206211.18), dbSNP rs187716707, ClinGen allele CA3137637.